The following is an entry in ClinVar:

ClinVar aggregate classification (germline): Uncertain significance (1 of 4 stars; one submission).

Conditions:
EFTUD2-related disorder. Also called: EFTUD2-related condition.

gnomAD v4.1: 4 of 1,613,922 alleles (0.00025%); highest among the groups gnomAD compares: African/African-American, 0.0053%; no homozygotes.

Submission:

PreventionGenetics, part of Exact Sciences
Classification: Uncertain significance for EFTUD2-related condition. Last evaluated: 2026-09-09. Review status: criteria provided, single submitter. Criteria: ACMG Guidelines, 2015. Collection method: clinical testing. Allele origin: germline.
Comment: The EFTUD2 c.486C>A variant is predicted to result in the amino acid substitution p.Asp162Glu. To our knowledge, this variant has not been reported in the literature. This variant is reported in 0.0062% of alleles in individuals of African descent in gnomAD. At this time, the clinical significance of this variant is uncertain due to the absence of conclusive functional and genetic evidence.

NM_004247.4(EFTUD2):c.486C>A (p.Asp162Glu)

Gene: EFTUD2 (elongation factor Tu GTP binding domain containing 2; minus strand). Cytogenetic location: 17q21.31.
Variant type: single nucleotide variant.
Coding change: c.486C>A on transcript NM_004247.4 (MANE Select); coding-DNA position 486, C replaced by A.
Protein change: p.Asp162Glu; replaces aspartic acid 162 with glutamic acid.
Molecular consequence: missense variant.
Genome position (GRCh38, 1-based): chr17:44,883,099, G>T on the plus strand (C>A on the coding strand, the complement: EFTUD2 is on the minus strand). VCF-style: chr17-44883099-G-T. GRCh37 (hg19) VCF-style: chr17-42960467-G-T.
Other names: c.381C>A, p.Asp127Glu (NM_001142605.2); c.486C>A, p.Asp162Glu (NM_001258353.2); c.456C>A, p.Asp152Glu (NM_001258354.2); short protein forms D152E, D127E, D162E.
Identifiers: ClinVar variation 4978075 (VCV004978075.1).